The following is an entry in ClinVar:

ClinVar aggregate classification (germline): Uncertain significance (1 of 4 stars; one submission).

Conditions:
Cardiovascular phenotype. Identifiers: MedGen CN230736.

gnomAD v4.1: 3 of 1,608,546 alleles (0.00019%); highest among the groups gnomAD compares: South Asian, 0.0011%; no homozygotes.

Submission:

Ambry Genetics
Classification: Uncertain significance for Cardiovascular phenotype. Last evaluated: 2025-10-14. Review status: criteria provided, single submitter. Criteria: Ambry Variant Classification Scheme 2023. Collection method: clinical testing. Allele origin: germline.
Comment: The p.I1059V variant (also known as c.3175A>G), located in coding exon 21 of the VCL gene, results from an A to G substitution at nucleotide position 3175. The isoleucine at codon 1059 is replaced by valine, an amino acid with highly similar properties. This amino acid position is conserved. In addition, this alteration is predicted to be tolerated by in silico analysis. Based on the available evidence, the clinical significance of this variant remains unclear.

NM_014000.3(VCL):c.3175A>G (p.Ile1059Val)

Gene: VCL (vinculin; plus strand). Cytogenetic location: 10q22.2.
Variant type: single nucleotide variant.
Coding change: c.3175A>G on transcript NM_014000.3 (MANE Select); coding-DNA position 3175, A replaced by G.
Protein change: p.Ile1059Val; replaces isoleucine 1059 with valine.
Molecular consequence: missense variant.
Genome position (GRCh38, 1-based): chr10:74,114,816, A>G. VCF-style: chr10-74114816-A-G. GRCh37 (hg19) VCF-style: chr10-75874574-A-G.
Other names: c.2971A>G, p.Ile991Val (NM_003373.4); short protein forms I1059V, I991V.
Identifiers: ClinVar variation 4615408 (VCV004615408.1).
Genomic context (GRCh38, chr10:74,114,816, plus strand): 5'-GCAAACAGAGAAACATACCAAATTAAACTTTCTCTTTAGGTATGTGAGCGAATCCCAACC[A>G]TAAGCACCCAGCTCAAAATCCTGTCCACAGTGAAGGCCACCATGCTGGGCCGGACCAACA-3'
Protein context (NP_054706.1, residues 1049-1069): LLQVCERIPT[Ile1059Val]STQLKILSTV